The following is an entry in ClinVar:

NM_001621.5(AHR):c.2203T>G (p.Leu735Val)

Gene: AHR (aryl hydrocarbon receptor; plus strand). Cytogenetic location: 7p21.1.
Variant type: single nucleotide variant.
Coding change: c.2203T>G on transcript NM_001621.5 (MANE Select); coding-DNA position 2203, T replaced by G.
Protein change: p.Leu735Val; replaces leucine 735 with valine.
Molecular consequence: missense variant.
Genome position (GRCh38, 1-based): chr7:17,340,028, T>G. VCF-style: chr7-17340028-T-G. GRCh37 (hg19) VCF-style: chr7-17379652-T-G.
Other names: short protein forms L735V.
Identifiers: ClinVar variation 1907357 (VCV001907357.5), dbSNP rs1390927316, ClinGen allele CA366896436.

ClinVar aggregate classification (germline): Uncertain significance (1 of 4 stars; one submission).

Allele frequency attached by ClinVar (database versions not stated): gnomAD 0.00001; gnomAD exomes 0.00001; TOPMed 0.00001.
gnomAD v4.1: 5 of 1,614,090 alleles (0.00031%); highest among the groups gnomAD compares: Non-Finnish European, 0.00042%; no homozygotes.

Submission:

Labcorp Genetics (formerly Invitae), Labcorp
Classification: Uncertain significance. Last evaluated: 2022-05-17. Review status: criteria provided, single submitter. Criteria: Invitae Variant Classification Sherloc (09022015). Collection method: clinical testing. Allele origin: germline.
Comment: This sequence change replaces leucine, which is neutral and non-polar, with valine, which is neutral and non-polar, at codon 735 of the AHR protein (p.Leu735Val). This variant is present in population databases (no rsID available, gnomAD 0.002%). This variant has not been reported in the literature in individuals affected with AHR-related conditions. Algorithms developed to predict the effect of missense changes on protein structure and function (SIFT, PolyPhen-2, Align-GVGD) all suggest that this variant is likely to be tolerated. In summary, the available evidence is currently insufficient to determine the role of this variant in disease. Therefore, it has been classified as a Variant of Uncertain Significance.